The following is an entry in ClinVar:

NM_000059.4(BRCA2):c.2320A>G (p.Thr774Ala)

Gene: BRCA2 (BRCA2 DNA repair associated; plus strand). Cytogenetic location: 13q13.1.
Variant type: single nucleotide variant.
Coding change: c.2320A>G on transcript NM_000059.4 (MANE Select); coding-DNA position 2320, A replaced by G.
Protein change: p.Thr774Ala; replaces threonine 774 with alanine.
Molecular consequence: missense variant.
Genome position (GRCh38, 1-based): chr13:32,336,675, A>G. VCF-style: chr13-32336675-A-G. GRCh37 (hg19) VCF-style: chr13-32910812-A-G.
Other names: p.T774A:ACT>GCT; 2548A>G; short protein forms T774A.
Identifiers: ClinVar variation 37781 (VCV000037781.59), dbSNP rs55968715, ClinGen allele CA014934.

ClinVar aggregate classification (germline): Benign/Likely benign. Review status: criteria provided, multiple submitters, no conflicts (2 of 4 stars). 20 submissions from 20 submitters: Benign (4); Likely benign (8). 8 of the submissions do not count toward it. Last evaluated 2026-06-21.

Conditions:
BRCA2-related disorder. Also called: BRCA2-related condition; BRCA2-related disorders. Identifiers: MedGen CN239275.
Hereditary cancer-predisposing syndrome. Also called: Neoplastic Syndromes, Hereditary; Tumor predisposition; Hereditary Cancer Syndrome; Hereditary neoplastic syndrome. Identifiers: Orphanet 140162, MedGen C0027672, MeSH D009386, MONDO:0015356.
Hereditary breast ovarian cancer syndrome. Also called: Hereditary breast and ovarian cancer; Breast and ovarian cancer; Hereditary breast and/or ovarian cancer syndrome; Hereditary breast and ovarian cancer syndrome (HBOC); Hereditary breast and ovarian cancer syndrome; BRCA1- and BRCA2-Associated Hereditary Breast and Ovarian Cancer. Identifiers: Orphanet 145, MedGen C0677776, MeSH D061325, MONDO:0003582. Disease mechanism: loss of function.
Breast-ovarian cancer, familial, susceptibility to, 2 (BROVCA2). Also called: BRCA2 Hereditary Breast and Ovarian Cancer. Identifiers: Orphanet 145, MedGen C2675520, MONDO:0012933, OMIM 612555. Disease mechanism: loss of function.

Allele frequency attached by ClinVar (database versions not stated): ExAC 0.00004; gnomAD exomes 0.00004; gnomAD 0.00005 and 0.00006; ESP Exome Variant Server 0.00008; TOPMed 0.00008.
gnomAD v4.1: 69 of 1,613,754 alleles (0.0043%); highest among the groups gnomAD compares: Non-Finnish European, 0.0051%; no homozygotes.

Submissions (20):

PreventionGenetics, part of Exact Sciences
Classification: Likely benign for BRCA2-related condition. Last evaluated: 2026-06-21. Review status: criteria provided, single submitter. Criteria: ACMG Guidelines, 2015. Collection method: clinical testing. Allele origin: germline.
Comment: This variant is classified as likely benign based on ACMG/AMP sequence variant interpretation guidelines (Richards et al. 2015 PMID: 25741868, with internal and published modifications).

Labcorp Genetics (formerly Invitae), Labcorp
Classification: Benign for Hereditary breast ovarian cancer syndrome. Last evaluated: 2026-01-25. Review status: criteria provided, single submitter. Criteria: Invitae Variant Classification Sherloc (09022015). Collection method: clinical testing. Allele origin: germline.

CeGaT Center for Human Genetics Tuebingen
Classification: Likely benign. Last evaluated: 2024-04-01. Review status: criteria provided, single submitter. Criteria: CeGaT Center For Human Genetics Tuebingen Variant Classification Criteria Version 2. Collection method: clinical testing. Allele origin: germline. Affected: yes. Observed: 1 variant allele.
Comment: BRCA2: BP4

Blueprint Genetics
Classification: Likely benign. Last evaluated: 2023-08-08. Review status: criteria provided, single submitter. Criteria: ACMG Guidelines, 2015. Collection method: clinical testing. Allele origin: germline.

University of Washington Department of Laboratory Medicine, University of Washington
Classification: Likely benign for Hereditary cancer-predisposing syndrome. Last evaluated: 2023-03-23. Review status: criteria provided, single submitter. Criteria: Dines et al. (Genet Med. 2020). Collection method: curation. Allele origin: germline.
Comment: Missense variant in a coldspot region where missense variants are very unlikely to be pathogenic (PMID:31911673).

BRCA2 exon 11 coldspot. Reclassification based on statistical prior probability.

Sema4
Classification: Likely benign for Hereditary cancer-predisposing syndrome. Last evaluated: 2021-08-18. Review status: criteria provided, single submitter. Criteria: Sema4 Curation Guidelines. Collection method: curation. Allele origin: germline.

Women's Health and Genetics/Laboratory Corporation of America, LabCorp
Classification: Benign. Last evaluated: 2021-02-07. Review status: criteria provided, single submitter. Criteria: LabCorp Variant Classification Summary - May 2015. Collection method: clinical testing. Allele origin: germline.
Comment: Variant summary: BRCA2 c.2320A>G (p.Thr774Ala) results in a non-conservative amino acid change in the encoded protein sequence. Four of five in-silico tools predict a benign effect of the variant on protein function. The variant allele was found at a frequency of 4e-05 in 250976 control chromosomes, predominantly at a frequency of 7.1e-05 within the Non-Finnish European subpopulation in the gnomAD database. The available data on variant occurrences in the general population are insufficient to allow any conclusion about variant significance. c.2320A>G has been reported in the literature in individuals affected with Breast or Prostate cancer and Ovarian Cancer as well as in a patient with macrocytic thrombocytopenia (example, Haiman_2013, Cunningham_2014, Kager_2018). These report(s) do not provide unequivocal conclusions about association of the variant with Hereditary Breast And Ovarian Cancer Syndrome. Multiple co-occurrences with other pathogenic variant(s) have been reported in public databases such as UMD and BIC as well as our laboratory (UMD-BRCA2 c.5576_5579delTTAA, p.Ile1859fsX3; BRCA1 c.3700_3704delGTAAA, p.Val1234GlnfsX8; BRCA1 c.4065_4068delTCAA, p.Asn1355LysfsX10; BIC-BRCA1 c.3255_3256insGA, p.Arg1085_Leu1086?fs; Our laboratory-BRCA1 c.2722G>T, p.Glu908X), providing supporting evidence for a benign role. To our knowledge, no experimental evidence demonstrating an impact on protein function has been reported. Seven clinical diagnostic laboratories have submitted clinical-significance assessments for this variant to ClinVar after 2014 without evidence for independent evaluation (likely benign/benign, n=6; VUS, n=1). Based on the evidence outlined above, the variant was classified as benign.

GeneDx
Classification: Likely benign. Last evaluated: 2019-08-06. Review status: criteria provided, single submitter. Criteria: GeneDx Variant Classification Process June 2021. Collection method: clinical testing. Allele origin: germline. Affected: yes.
Comment: This variant is associated with the following publications: (PMID: 24817641, 24728327, 24504028, 25348012, 27633797, 23555315)

ARUP Laboratories, Molecular Genetics and Genomics, ARUP Laboratories
Classification: Likely benign. Last evaluated: 2018-07-02. Review status: criteria provided, single submitter. Criteria: ARUP Molecular Germline Variant Investigation Process. Collection method: clinical testing. Allele origin: germline.

Color Diagnostics, LLC DBA Color Health
Classification: Benign for Hereditary cancer-predisposing syndrome. Last evaluated: 2016-08-01. Review status: criteria provided, single submitter. Criteria: ACMG Guidelines, 2015. Collection method: clinical testing. Allele origin: germline.

Molecular Genetics Laboratory, University of Michigan
Classification: Likely benign for Breast-ovarian cancer, familial, susceptibility to, 2. Last evaluated: 2016-04-21. Review status: criteria provided, single submitter. Criteria: ACMG Guidelines, 2015. Collection method: clinical testing. Allele origin: germline. Affected: yes.

Ambry Genetics
Classification: Benign for Hereditary cancer-predisposing syndrome. Last evaluated: 2014-11-19. Review status: criteria provided, single submitter. Criteria: Ambry Variant Classification Scheme 2023. Collection method: clinical testing. Allele origin: germline.

Department of Medical and Surgical Sciences, University of Bologna
Classification: Benign for Breast-ovarian cancer, familial, susceptibility to, 2. Last evaluated: 2023-09-01. Review status: no assertion criteria provided. Collection method: clinical testing. Allele origin: germline. Affected: yes. Not counted in ClinVar's aggregate classification.
Comment: BS1(Supporting)+BP1(Strong)+BP5(Moderate) according to ACMG/AMP classification guidelines specified for BRCA1 & BRCA2 (Classification Criteria V1.0.0 2023-09-08) (PMID: 38160042)

Institute for Biomarker Research, Medical Diagnostic Laboratories, L.L.C.
Classification: Uncertain significance for Hereditary breast ovarian cancer syndrome. Last evaluated: 2021-11-09. Review status: no assertion criteria provided. Collection method: clinical testing. Allele origin: germline. Not counted in ClinVar's aggregate classification.

True Health Diagnostics
Classification: Likely benign for Hereditary cancer-predisposing syndrome. Last evaluated: 2017-07-12. Review status: no assertion criteria provided. Collection method: clinical testing. Allele origin: germline. Not counted in ClinVar's aggregate classification.

Counsyl
Classification: Uncertain significance for Breast-ovarian cancer, familial, susceptibility to, 2. Last evaluated: 2016-02-12. Review status: no assertion criteria provided. Collection method: clinical testing. Allele origin: unknown. Not counted in ClinVar's aggregate classification.

ITMI
No classification provided. Condition: AllHighlyPenetrant. Last evaluated: 2013-09-19. Review status: no classification provided. Collection method: reference population. Allele origin: germline. Not counted in ClinVar's aggregate classification.
Comment: Please see associated publication for description of ethnicities

Sharing Clinical Reports Project (SCRP)
Classification: Benign for Breast-ovarian cancer, familial 2. Last evaluated: 2009-11-19. Review status: no assertion criteria provided. Collection method: clinical testing. Allele origin: germline. Not counted in ClinVar's aggregate classification.

Breast Cancer Information Core (BIC) (BRCA2)
Classification: Uncertain significance for Breast-ovarian cancer, familial 2. Last evaluated: 2002-05-29. Review status: no assertion criteria provided. Collection method: clinical testing. Allele origin: germline. Affected: yes. Observed: 6 variant alleles. Not counted in ClinVar's aggregate classification.

Department of Pathology and Laboratory Medicine, Sinai Health System
Classification: Benign. Review status: no assertion criteria provided. Collection method: clinical testing. Allele origin: unknown. Affected: yes. Study: The Canadian Open Genetics Repository (COGR). Not counted in ClinVar's aggregate classification.
Comment: The BRCA2 p.Thr774Ala variant was not identified in the literature. The variant was identified in dbSNP (ID: rs55968715), the ClinVar database (classified as a benign variant by Ambry Genetics and by the Sharing Clinical Reports Project (derived from Myriad reports)), the BIC database (6X with unknown clinical importance), and UMD (3X as an unclassified variant). In UMD the variant was identified in one sample with a co-occurring pathogenic BRCA2 variant (c.5576_5579delTTAA (p.Ile1859LysfsX3)) and in another sample with a co-occurring pathogenic BRCA1 variant (c.4065_4068delTCAA (p.Asn1355LysfsX10), increasing the likelihood that the p.Thr774Ala variant does not have clinical significance. The variant was identified by the Exome Variant Server project in 1 of 8600 European American alleles (frequency: 0.0001), although this low number of observations and low frequency is not substantive enough to determine the prevalence of the variant in the general population and its relationship to disease. The p.Thr774 residue is not conserved in mammals and computational analyses (PolyPhen-2, SIFT, AlignGVGD, BLOSUM, MutationTaster) do not suggest a high likelihood of impact to the protein. In addition, the variant occurs outside of the splicing consensus sequence and in silico or computational prediction software programs (SpliceSiteFinder, MaxEntScan, NNSPLICE, GeneSplicer, HumanSpliceFinder) do not predict a difference in splicing. However, this information is not predictive enough to rule out pathogenicity. In summary, based on the above information, this variant meets our laboratory's criteria to be classified as benign.

Literature cited by the submitters: PubMed 33471991 (cited by Sema4); PubMed 31131967 (cited by Sema4); PubMed 23555315 (cited by Women's Health and Genetics/Laboratory Corporation of America, LabCorp and Counsyl); PubMed 24728327 (cited by 3 submitters); PubMed 24504028 (cited by Women's Health and Genetics/Laboratory Corporation of America, LabCorp and Counsyl); PubMed 25348012 (cited by Women's Health and Genetics/Laboratory Corporation of America, LabCorp and Counsyl); PubMed 29797310 (cited by Women's Health and Genetics/Laboratory Corporation of America, LabCorp); PubMed 24817641 (cited by Counsyl).